The following is an entry in ClinVar:

ClinVar aggregate classification (germline): Uncertain significance (1 of 4 stars; one submission).

Conditions:
Fanconi anemia complementation group E (FANCE). Also called: FANCE-Related Fanconi Anemia. Identifiers: Orphanet 84, MedGen C3160739, MONDO:0010953, OMIM 600901.

Allele frequency attached by ClinVar (database versions not stated): gnomAD exomes below 0.00001; gnomAD 0.00001.
gnomAD v4.1: 2 of 1,613,892 alleles (0.00012%); highest among the groups gnomAD compares: Admixed American, 0.0017%; no homozygotes.

Submission:

Labcorp Genetics (formerly Invitae), Labcorp
Classification: Uncertain significance for Fanconi anemia complementation group E. Last evaluated: 2021-09-01. Review status: criteria provided, single submitter. Criteria: Invitae Variant Classification Sherloc (09022015). Collection method: clinical testing. Allele origin: germline.
Comment: This sequence change replaces lysine with glutamic acid at codon 525 of the FANCE protein (p.Lys525Glu). The lysine residue is highly conserved and there is a small physicochemical difference between lysine and glutamic acid. This variant is not present in population databases (ExAC no frequency). This variant has not been reported in the literature in individuals affected with FANCE-related conditions. Algorithms developed to predict the effect of missense changes on protein structure and function are either unavailable or do not agree on the potential impact of this missense change (SIFT: "Deleterious"; PolyPhen-2: "Probably Damaging"; Align-GVGD: "Class C15"). In summary, the available evidence is currently insufficient to determine the role of this variant in disease. Therefore, it has been classified as a Variant of Uncertain Significance.

NM_021922.3(FANCE):c.1573A>G (p.Lys525Glu)

Gene: FANCE (FA complementation group E; plus strand). Cytogenetic location: 6p21.31.
Variant type: single nucleotide variant.
Coding change: c.1573A>G on transcript NM_021922.3 (MANE Select); coding-DNA position 1573, A replaced by G.
Protein change: p.Lys525Glu; replaces lysine 525 with glutamic acid.
Molecular consequence: missense variant.
Genome position (GRCh38, 1-based): chr6:35,466,307, A>G. VCF-style: chr6-35466307-A-G. GRCh37 (hg19) VCF-style: chr6-35434084-A-G.
Other names: short protein forms K525E.
Identifiers: ClinVar variation 1467430 (VCV001467430.5), dbSNP rs1256798501, ClinGen allele CA363778696.